The following is an entry in ClinVar:

ClinVar aggregate classification (germline): Uncertain significance (1 of 4 stars; one submission).

Submission:

Labcorp Genetics (formerly Invitae), Labcorp
Classification: Uncertain significance. Last evaluated: 2021-06-19. Review status: criteria provided, single submitter. Criteria: Invitae Variant Classification Sherloc (09022015). Collection method: clinical testing. Allele origin: germline.
Comment: In summary, the available evidence is currently insufficient to determine the role of this variant in disease. Therefore, it has been classified as a Variant of Uncertain Significance. Algorithms developed to predict the effect of missense changes on protein structure and function are either unavailable or do not agree on the potential impact of this missense change (SIFT: "Deleterious"; PolyPhen-2: "Probably Damaging"; Align-GVGD: "Class C15"). This variant has not been reported in the literature in individuals with TUB-related conditions. This variant is not present in population databases (ExAC no frequency). This sequence change replaces phenylalanine with leucine at codon 547 of the TUB protein (p.Phe547Leu). The phenylalanine residue is highly conserved and there is a small physicochemical difference between phenylalanine and leucine.

NM_177972.3(TUB):c.1476T>A (p.Phe492Leu)

Genes: RIC3 (RIC3 acetylcholine receptor chaperone; minus strand), TUB (TUB bipartite transcription factor; plus strand). Cytogenetic location: 11p15.4.
Variant type: single nucleotide variant.
Coding change: c.1476T>A on transcript NM_177972.3 (MANE Select); coding-DNA position 1476, T replaced by A.
Protein change: p.Phe492Leu; replaces phenylalanine 492 with leucine.
Molecular consequence: missense variant.
Genome position (GRCh38, 1-based): chr11:8,101,574, T>A. VCF-style: chr11-8101574-T-A. GRCh37 (hg19) VCF-style: chr11-8123121-T-A.
Other names: c.1641T>A, p.Phe547Leu (NM_003320.5); short protein forms F547L, F492L.
Identifiers: ClinVar variation 1347682 (VCV001347682.8), dbSNP rs375592650, ClinGen allele CA379572660.